The following is an entry in ClinVar:

ClinVar aggregate classification (germline): Uncertain significance (1 of 4 stars; one submission).

Submission:

Labcorp Genetics (formerly Invitae), Labcorp
Classification: Uncertain significance. Last evaluated: 2022-10-05. Review status: criteria provided, single submitter. Criteria: Invitae Variant Classification Sherloc (09022015). Collection method: clinical testing. Allele origin: germline.
Comment: In summary, the available evidence is currently insufficient to determine the role of this variant in disease. Therefore, it has been classified as a Variant of Uncertain Significance. This variant has not been reported in the literature in individuals affected with IRF2BP2-related conditions. This variant results in the deletion of part of exon 1 (c.-870_567del) of the IRF2BP2 gene. It is expected to result in an absent or disrupted protein product. However, the current clinical and genetic evidence is not sufficient to establish whether loss-of-function variants in IRF2BP2 cause disease.

NC_000001.10:g.(?_234744673)_(234746110_?)del

Gene: IRF2BP2 (interferon regulatory factor 2 binding protein 2; minus strand). Cytogenetic location: 1q42.3.
Variant type: Deletion.
Identifiers: ClinVar variation 1446721 (VCV001446721.5).